The following is an entry in ClinVar:

NM_003640.5(ELP1):c.602G>C (p.Arg201Pro)

Gene: ELP1 (elongator acetyltransferase complex subunit 1; minus strand). Cytogenetic location: 9q31.3.
Variant type: single nucleotide variant.
Coding change: c.602G>C on transcript NM_003640.5 (MANE Select); coding-DNA position 602, G replaced by C.
Protein change: p.Arg201Pro; replaces arginine 201 with proline.
Molecular consequence: missense variant. On other transcripts: intron variant (1).
Genome position (GRCh38, 1-based): chr9:108,919,300, C>G on the plus strand (G>C on the coding strand, the complement: ELP1 is on the minus strand). VCF-style: chr9-108919300-C-G. GRCh37 (hg19) VCF-style: chr9-111681580-C-G.
Other names: c.260G>C, p.Arg87Pro (NM_001318360.2); c.-307-1630G>C (NM_001330749.2); c.602G>C (LRG_251t1); short protein forms R201P, R87P.
Identifiers: ClinVar variation 526201 (VCV000526201.14), dbSNP rs367552387, ClinGen allele CA5175300.

ClinVar aggregate classification (germline): Uncertain significance. Review status: criteria provided, multiple submitters, no conflicts (2 of 4 stars). 3 submissions from 3 submitters: Uncertain significance (2). 1 of the submissions does not count toward it. Last evaluated 2021-09-01.

Conditions:
Familial dysautonomia. Also called: FD; HSAN III. Identifiers: Orphanet 1764, MedGen C0013364, MONDO:0009131, OMIM 223900. Disease mechanism: loss of function.

Allele frequency attached by ClinVar (database versions not stated): TOPMed 0.00001.
gnomAD v4.1: 19 of 1,613,816 alleles (0.0012%); highest among the groups gnomAD compares: South Asian, 0.0044%; no homozygotes.

Submissions (3):

Labcorp Genetics (formerly Invitae), Labcorp
Classification: Uncertain significance. Last evaluated: 2021-09-01. Review status: criteria provided, single submitter. Criteria: Invitae Variant Classification Sherloc (09022015). Collection method: clinical testing. Allele origin: germline.
Comment: This sequence change replaces arginine with proline at codon 201 of the ELP1 protein (p.Arg201Pro). The arginine residue is highly conserved and there is a moderate physicochemical difference between arginine and proline. This variant is present in population databases (rs367552387, ExAC 0.006%). This variant has not been reported in the literature in individuals affected with ELP1-related conditions. Algorithms developed to predict the effect of missense changes on protein structure and function are either unavailable or do not agree on the potential impact of this missense change (SIFT: "Deleterious"; PolyPhen-2: "Probably Damaging"; Align-GVGD: "Class C0"). In summary, the available evidence is currently insufficient to determine the role of this variant in disease. Therefore, it has been classified as a Variant of Uncertain Significance.

ARUP Laboratories, Molecular Genetics and Genomics, ARUP Laboratories
Classification: Uncertain significance for Familial dysautonomia. Last evaluated: 2019-03-13. Review status: criteria provided, single submitter. Criteria: ARUP Molecular Germline Variant Investigation Process. Collection method: clinical testing. Allele origin: germline.
Comment: The p.Arg201Pro variant (rs367552387) has not been reported in the medical literature, gene specific variation databases, nor has it been previously identified by our laboratory. This variant is listed in the Genome Aggregation Database (gnomAD) with an overall population frequency of 0.002 percent (identified on 4 out of 251,416 chromosomes) and has been reported to the ClinVar database (Variation ID: 526201). The arginine at position 201 is highly conserved and computational analyses of the effects of the p.Arg201Pro variant on protein structure and function is deleterious (SIFT: damaging, PolyPhen-2: probably damaging). Altogether, there is not enough evidence to classify the p.Arg201Pro variant with certainty.

Natera, Inc.
Classification: Uncertain significance for Familial dysautonomia. Last evaluated: 2021-02-10. Review status: no assertion criteria provided. Collection method: clinical testing. Allele origin: germline. Not counted in ClinVar's aggregate classification.